The following is an entry in ClinVar:

NM_017813.5(BPNT2):c.987C>T (p.Asp329=)

Gene: BPNT2 (3'(2'), 5'-bisphosphate nucleotidase 2; minus strand). Cytogenetic location: 8q12.1.
Variant type: single nucleotide variant.
Coding change: c.987C>T on transcript NM_017813.5 (MANE Select); coding-DNA position 987, C replaced by T.
Protein change: p.Asp329=; no amino-acid change (aspartic acid 329 retained).
Molecular consequence: synonymous variant.
Genome position (GRCh38, 1-based): chr8:56,963,886, G>A on the plus strand (C>T on the coding strand, the complement: BPNT2 is on the minus strand). VCF-style: chr8-56963886-G-A. GRCh37 (hg19) VCF-style: chr8-57876445-G-A.
Identifiers: ClinVar variation 909436 (VCV000909436.11), dbSNP rs34467829, ClinGen allele CA4755764.

ClinVar aggregate classification (germline): Conflicting classifications of pathogenicity. Review status: criteria provided, conflicting classifications (1 of 4 stars). 5 submissions from 5 submitters: Uncertain significance (2); Likely benign (3). Last evaluated 2026-04-14.

Conditions:
BPNT2-related disorder. Also called: BPNT2-related condition.
Chondrodysplasia with joint dislocations, gPAPP type. Also called: GPAPP DEFICIENCY. Identifiers: Orphanet 280586, MedGen C3279757, MONDO:0013561, OMIM 614078.

Allele frequency attached by ClinVar (database versions not stated): gnomAD 0.00016 and 0.00018; TOPMed 0.00021; ESP Exome Variant Server 0.00023; gnomAD exomes 0.00025; ExAC 0.00026.
gnomAD v4.1: 286 of 1,614,076 alleles (0.018%); highest among the groups gnomAD compares: Middle Eastern, 0.15%; 1 homozygote.

Submissions (5):

PreventionGenetics, part of Exact Sciences
Classification: Likely benign for BPNT2-related condition. Last evaluated: 2026-04-14. Review status: criteria provided, single submitter. Criteria: ACMG Guidelines, 2015. Collection method: clinical testing. Allele origin: germline.
Comment: This variant is classified as likely benign based on ACMG/AMP sequence variant interpretation guidelines (Richards et al. 2015 PMID: 25741868, with internal and published modifications).

Labcorp Genetics (formerly Invitae), Labcorp
Classification: Likely benign. Last evaluated: 2025-12-03. Review status: criteria provided, single submitter. Criteria: Invitae Variant Classification Sherloc (09022015). Collection method: clinical testing. Allele origin: germline.

Blueprint Genetics
Classification: Likely benign. Last evaluated: 2024-11-05. Review status: criteria provided, single submitter. Criteria: ACMG Guidelines, 2015. Collection method: clinical testing. Allele origin: germline.

Illumina Laboratory Services, Illumina
Classification: Uncertain significance for Chondrodysplasia with joint dislocations, gPAPP type. Last evaluated: 2018-01-13. Review status: criteria provided, single submitter. Criteria: ICSL Variant Classification Criteria 13 December 2019. Collection method: clinical testing. Allele origin: germline.

Breakthrough Genomics
Classification: Uncertain significance. Review status: criteria provided, single submitter. Criteria: ACMG Guidelines, 2015. Collection method: not provided. Allele origin: germline. Inheritance: Autosomal recessive inheritance. Affected: yes.